The following is an entry in ClinVar:

NM_005529.7(HSPG2):c.12021G>A (p.Pro4007=)

Gene: HSPG2 (heparan sulfate proteoglycan 2; minus strand). Cytogenetic location: 1p36.12.
Variant type: single nucleotide variant.
Coding change: c.12021G>A on transcript NM_005529.7 (MANE Select); coding-DNA position 12021, G replaced by A.
Protein change: p.Pro4007=; no amino-acid change (proline 4007 retained).
Molecular consequence: synonymous variant.
Genome position (GRCh38, 1-based): chr1:21,829,051, C>T on the plus strand (G>A on the coding strand, the complement: HSPG2 is on the minus strand). VCF-style: chr1-21829051-C-T. GRCh37 (hg19) VCF-style: chr1-22155544-C-T.
Other names: c.12024G>A, p.Pro4008= (NM_001291860.2).
Identifiers: ClinVar variation 1635641 (VCV001635641.32), dbSNP rs531754046, ClinGen allele CA669537.

ClinVar aggregate classification (germline): Likely benign. Review status: criteria provided, multiple submitters, no conflicts (2 of 4 stars). 2 submissions from 2 submitters: Likely benign (2). Last evaluated 2024-07-31.

Allele frequency attached by ClinVar (database versions not stated): 1000 Genomes Project 30x 0.00016; 1000 Genomes Project 0.00020.
gnomAD v4.1: 48 of 1,545,214 alleles (0.0031%); highest among the groups gnomAD compares: East Asian, 0.015%; no homozygotes.

Submissions (2):

Labcorp Genetics (formerly Invitae), Labcorp
Classification: Likely benign. Last evaluated: 2024-07-31. Review status: criteria provided, single submitter. Criteria: Invitae Variant Classification Sherloc (09022015). Collection method: clinical testing. Allele origin: germline.

CeGaT Center for Human Genetics Tuebingen
Classification: Likely benign. Last evaluated: 2023-10-01. Review status: criteria provided, single submitter. Criteria: CeGaT Center For Human Genetics Tuebingen Variant Classification Criteria Version 2. Collection method: clinical testing. Allele origin: germline. Affected: yes. Observed: 1 variant allele.
Comment: HSPG2: BP4, BP7